The following is an entry in ClinVar:

ClinVar aggregate classification (germline): Likely benign. Review status: criteria provided, multiple submitters, no conflicts (2 of 4 stars). 2 submissions from 2 submitters: Likely benign (2). Last evaluated 2026-01-18.

Conditions:
RASopathy. Also called: rasopathies; Noonan spectrum disorder. Identifiers: Orphanet 536391, MedGen C5555857, MONDO:0021060.

Allele frequency attached by ClinVar (database versions not stated): ExAC 0.00002; gnomAD exomes 0.00002; TOPMed 0.00002; gnomAD 0.00003; 1000 Genomes Project 30x 0.00016; 1000 Genomes Project 0.00020.
gnomAD v4.1: 17 of 1,611,152 alleles (0.0011%); highest among the groups gnomAD compares: East Asian, 0.022%; no homozygotes.

Submissions (2):

Labcorp Genetics (formerly Invitae), Labcorp
Classification: Likely benign for RASopathy. Last evaluated: 2026-01-18. Review status: criteria provided, single submitter. Criteria: Invitae Variant Classification Sherloc (09022015). Collection method: clinical testing. Allele origin: germline.

GeneDx
Classification: Likely benign. Last evaluated: 2016-05-12. Review status: criteria provided, single submitter. Criteria: GeneDx Variant Classification (06012015). Collection method: clinical testing. Allele origin: germline. Affected: yes.
Comment: This variant is considered likely benign or benign based on one or more of the following criteria: it is a conservative change, it occurs at a poorly conserved position in the protein, it is predicted to be benign by multiple in silico algorithms, and/or has population frequency not consistent with disease.

NM_030662.4(MAP2K2):c.304-7C>T

Gene: MAP2K2 (mitogen-activated protein kinase kinase 2; minus strand). Cytogenetic location: 19p13.3.
Variant type: single nucleotide variant.
Coding change: c.304-7C>T on transcript NM_030662.4 (MANE Select); 7 bases into the intron before coding-DNA position 304, C replaced by T.
Molecular consequence: intron variant.
Genome position (GRCh38, 1-based): chr19:4,110,662, G>A on the plus strand (C>T on the coding strand, the complement: MAP2K2 is on the minus strand). VCF-style: chr19-4110662-G-A. GRCh37 (hg19) VCF-style: chr19-4110660-G-A.
Identifiers: ClinVar variation 386150 (VCV000386150.10), dbSNP rs561127903, ClinGen allele CA9091028.